The following is an entry in ClinVar:

ClinVar aggregate classification (germline): Uncertain significance. Review status: criteria provided, multiple submitters, no conflicts (2 of 4 stars). 7 submissions from 7 submitters: Uncertain significance (7). Last evaluated 2025-04-12.

Conditions:
Hereditary cancer-predisposing syndrome. Also called: Neoplastic Syndromes, Hereditary; Tumor predisposition; Hereditary Cancer Syndrome; Hereditary neoplastic syndrome. Identifiers: Orphanet 140162, MedGen C0027672, MeSH D009386, MONDO:0015356.
Familial cancer of breast. Also called: BREAST CANCER, FAMILIAL; hereditary breast carcinoma; Hereditary breast cancer. Identifiers: Orphanet 227535, MedGen C0346153, MONDO:0016419, OMIM 114480. Disease mechanism: loss of function.

Allele frequency attached by ClinVar (database versions not stated): gnomAD exomes below 0.00001; ExAC 0.00001; TOPMed 0.00001.
gnomAD v4.1: 1 of 1,613,662 alleles (0.000062%); highest among the groups gnomAD compares: East Asian, 0.0022%; no homozygotes.

Submissions (7):

Ambry Genetics
Classification: Uncertain significance for Hereditary cancer-predisposing syndrome. Last evaluated: 2025-04-12. Review status: criteria provided, single submitter. Criteria: Ambry Variant Classification Scheme 2023. Collection method: clinical testing. Allele origin: germline.
Comment: The p.P454L variant (also known as c.1361C>T), located in coding exon 5 of the BARD1 gene, results from a C to T substitution at nucleotide position 1361. The proline at codon 454 is replaced by leucine, an amino acid with similar properties. This variant was reported in 1/255 ovarian cancer patients but was not observed in 1000 unselected population-based controls or 200 healthy, age-matched, female controls. Using RNA extracted from this patient's serous ovarian tumor, mRNA expression analysis showed an in-frame deletion of exon 5 (Ratajska M et al. Oncol. Rep., 2015 Nov;34:2609-17). In one study, this variant was reported in 1/60,466 breast cancer cases and in 1/53,461 controls (Dorling et al. N Engl J Med 2021 02;384:428-439). This variant was also detected in a cohort of 400 Polish ovarian cancer cases (Suszynska M et al. Cancer Prev Res (Phila), 2022 Mar;15:151-160). In silico splice site analysis predicts that this alteration will not have any significant effect on splicing; however direct evidence is insufficient at this time (Ambry internal data). This amino acid position is highly conserved in available vertebrate species. In addition, as a missense substitution this alteration is predicted to be deleterious by in silico analysis. Based on the available evidence, the clinical significance of this variant remains unclear.

Labcorp Genetics (formerly Invitae), Labcorp
Classification: Uncertain significance for Familial cancer of breast. Last evaluated: 2024-06-24. Review status: criteria provided, single submitter. Criteria: Invitae Variant Classification Sherloc (09022015). Collection method: clinical testing. Allele origin: germline.
Comment: This sequence change replaces proline, which is neutral and non-polar, with leucine, which is neutral and non-polar, at codon 454 of the BARD1 protein (p.Pro454Leu). This variant is not present in population databases (gnomAD no frequency). This missense change has been observed in individual(s) with ovarian cancer (PMID: 26329992). ClinVar contains an entry for this variant (Variation ID: 232097). An algorithm developed to predict the effect of missense changes on protein structure and function (PolyPhen-2) suggests that this variant is likely to be disruptive. In summary, the available evidence is currently insufficient to determine the role of this variant in disease. Therefore, it has been classified as a Variant of Uncertain Significance.

Baylor Genetics
Classification: Uncertain significance for Familial cancer of breast. Last evaluated: 2023-10-02. Review status: criteria provided, single submitter. Criteria: ACMG Guidelines, 2015. Collection method: clinical testing. Allele origin: unknown.

GeneDx
Classification: Uncertain significance. Last evaluated: 2023-07-13. Review status: criteria provided, single submitter. Criteria: GeneDx Variant Classification Process June 2021. Collection method: clinical testing. Allele origin: germline. Affected: yes.
Comment: Not observed at significant frequency in large population cohorts (gnomAD); In silico analysis supports that this missense variant has a deleterious effect on protein structure/function; A functional study demonstrated through mRNA analysis that this variant results in in-frame skipping of exon 5 (Ratajska et al., 2015); Observed in individuals with ovarian or breast cancer as well as at least one unaffected individual in a breast cancer case-control study (Ratajska et al., 2015; Dorling et al., 2021; Suszynska et al., 2022); This variant is associated with the following publications: (PMID: 26329992, 33471991, 37418175, 18480049, 34906988, 32726901, 35650591)

Sema4
Classification: Uncertain significance for Hereditary cancer-predisposing syndrome. Last evaluated: 2022-01-12. Review status: criteria provided, single submitter. Criteria: Sema4 Curation Guidelines. Collection method: curation. Allele origin: germline.
Comment: The BARD1 c.1361C>T (p.P454L) variant has been reported in heterozygosity in at least two individuals with ovarian cancer (PMID: 26329992, 34906988). This variant has also been reported in at least one individual with breast cancer as well as one unaffected control (PMID: 33471991). An experimental study by mRNA expression analysis showed that this variant results in skipping of the in-frame exon 5 (PMID: 26329992). It was not observed in the large and broad cohorts of the Genome Aggregation Database (PMID: 32461654). The variant has been reported in ClinVar (Variation ID: 232097). In silico predictions of the variant's effect on protein function are inconclusive. The evidence is insufficient to meet ACMG/AMP criteria for classifying the variant as benign or pathogenic. Thus, the clinical significance of this variant is currently uncertain.

Color Diagnostics, LLC DBA Color Health
Classification: Uncertain significance for Hereditary cancer-predisposing syndrome. Last evaluated: 2019-06-24. Review status: criteria provided, single submitter. Criteria: ACMG Guidelines, 2015. Collection method: clinical testing. Allele origin: germline.

Women's Health and Genetics/Laboratory Corporation of America, LabCorp
Classification: Uncertain significance. Last evaluated: 2016-06-27. Review status: criteria provided, single submitter. Criteria: LabCorp Variant Classification Summary - May 2015. Collection method: clinical testing. Allele origin: germline.
Comment: Variant summary: The BARD1 c.1361C>T (p.Pro454Leu) variant involves the alteration of a conserved nucleotide. This variant is located within the ANK repeats of the protein which suggest possible alteration of the BARD1 structure and/or interactions with other proteins. 4/4 in silico tools predict a damaging outcome (SNPs&GO not captured due to low reliability index). 5/5 splice prediction tools predict no significant impact on normal splicing. ESE finder predicts that this variant causes a loss of binding motif for splicing enhancer SC15. This variant was found in 1/121022 control chromosomes at a frequency of 0.0000083, which does not exceed the estimated maximal expected allele frequency of a pathogenic BARD1 variant (0.0002188). This variant has been reported in one OvC patient and was shown to cause exon 5 skipping resulting in-frame deletion from c.1315 to c.1395 [r.(=,1315_1395del);p.Gly439_Leu465del], and this this deletion results in disruption of the 1st and 2nd ANK repeat (Ratajska_Oncol Rep_2015). In addition, one clinical diagnostic laboratory classified this variant as VUS, without evidence to independently evaluate. Taken together, because of the absence of clinical information and the lack of functional studies, the variant was classified as VUS-possibly pathogenic until more evidence becomes available.

Literature cited by the submitters: PubMed 26329992 (cited by 4 submitters); PubMed 33471991 (cited by Ambry Genetics and Sema4); PubMed 34906988 (cited by Ambry Genetics and Sema4).

NM_000465.4(BARD1):c.1361C>T (p.Pro454Leu)

Gene: BARD1 (BRCA1 associated RING domain 1; minus strand). Cytogenetic location: 2q35.
Variant type: single nucleotide variant.
Coding change: c.1361C>T on transcript NM_000465.4 (MANE Select); coding-DNA position 1361, C replaced by T.
Protein change: p.Pro454Leu; replaces proline 454 with leucine.
Molecular consequence: missense variant. On other transcripts: non-coding transcript variant (3), intron variant (3).
Genome position (GRCh38, 1-based): chr2:214,769,266, G>A on the plus strand (C>T on the coding strand, the complement: BARD1 is on the minus strand). VCF-style: chr2-214769266-G-A. GRCh37 (hg19) VCF-style: chr2-215633990-G-A.
Other names: c.1304C>T, p.Pro435Leu (NM_001282543.2); c.159-16711C>T (NM_001282548.2); c.216-16711C>T (NM_001282545.2); c.364+23031C>T (NM_001282549.2); short protein forms P454L, P435L.
Identifiers: ClinVar variation 232097 (VCV000232097.22), dbSNP rs772285343, ClinGen allele CA2090277.